The following is an entry in ClinVar:

NM_013276.4(SHPK):c.655A>G (p.Ser219Gly)

Gene: SHPK (sedoheptulokinase; minus strand). Cytogenetic location: 17p13.2.
Variant type: single nucleotide variant.
Coding change: c.655A>G on transcript NM_013276.4 (MANE Select); coding-DNA position 655, A replaced by G.
Protein change: p.Ser219Gly; replaces serine 219 with glycine.
Molecular consequence: missense variant.
Genome position (GRCh38, 1-based): chr17:3,621,405, T>C on the plus strand (A>G on the coding strand, the complement: SHPK is on the minus strand). VCF-style: chr17-3621405-T-C. GRCh37 (hg19) VCF-style: chr17-3524699-T-C.
Other names: c.655A>G (NM_013276.2); short protein forms S219G.
Identifiers: ClinVar variation 1721048 (VCV001721048.7), dbSNP rs764350616, ClinGen allele CA8291242.

ClinVar aggregate classification (germline): Uncertain significance. Review status: criteria provided, multiple submitters, no conflicts (2 of 4 stars). 2 submissions from 2 submitters: Uncertain significance (2). Last evaluated 2022-10-05.

Allele frequency attached by ClinVar (database versions not stated): gnomAD exomes below 0.00001; TOPMed below 0.00001; ExAC 0.00001.
gnomAD v4.1: 3 of 1,613,636 alleles (0.00019%); highest among the groups gnomAD compares: South Asian, 0.0022%; no homozygotes.

Submissions (2):

Labcorp Genetics (formerly Invitae), Labcorp
Classification: Uncertain significance. Last evaluated: 2022-10-05. Review status: criteria provided, single submitter. Criteria: Invitae Variant Classification Sherloc (09022015). Collection method: clinical testing. Allele origin: germline.
Comment: This sequence change replaces serine, which is neutral and polar, with glycine, which is neutral and non-polar, at codon 219 of the SHPK protein (p.Ser219Gly). In summary, the available evidence is currently insufficient to determine the role of this variant in disease. Therefore, it has been classified as a Variant of Uncertain Significance. Algorithms developed to predict the effect of missense changes on protein structure and function (SIFT, PolyPhen-2, Align-GVGD) all suggest that this variant is likely to be tolerated. This variant has not been reported in the literature in individuals affected with SHPK-related conditions. This variant is present in population databases (rs764350616, gnomAD 0.003%).

Ambry Genetics
Classification: Uncertain significance. Last evaluated: 2021-10-26. Review status: criteria provided, single submitter. Criteria: Ambry Variant Classification Scheme 2023. Collection method: clinical testing. Allele origin: germline.